The following is an entry in ClinVar:

ClinVar aggregate classification (germline): Uncertain significance (1 of 4 stars; one submission).

Allele frequency attached by ClinVar (database versions not stated): gnomAD 0.00001.

Submission:

Labcorp Genetics (formerly Invitae), Labcorp
Classification: Uncertain significance. Last evaluated: 2023-08-24. Review status: criteria provided, single submitter. Criteria: Invitae Variant Classification Sherloc (09022015). Collection method: clinical testing. Allele origin: germline.
Comment: This variant is not present in population databases (gnomAD no frequency). This sequence change replaces aspartic acid, which is acidic and polar, with valine, which is neutral and non-polar, at codon 1867 of the DCHS1 protein (p.Asp1867Val). This variant has not been reported in the literature in individuals affected with DCHS1-related conditions. In summary, the available evidence is currently insufficient to determine the role of this variant in disease. Therefore, it has been classified as a Variant of Uncertain Significance. Advanced modeling of protein sequence and biophysical properties (such as structural, functional, and spatial information, amino acid conservation, physicochemical variation, residue mobility, and thermodynamic stability) performed at Invitae indicates that this missense variant is expected to disrupt DCHS1 protein function.

NM_003737.4(DCHS1):c.5600A>T (p.Asp1867Val)

Gene: DCHS1 (dachsous cadherin-related 1; minus strand). Cytogenetic location: 11p15.4.
Variant type: single nucleotide variant.
Coding change: c.5600A>T on transcript NM_003737.4 (MANE Select); coding-DNA position 5600, A replaced by T.
Protein change: p.Asp1867Val; replaces aspartic acid 1867 with valine.
Molecular consequence: missense variant.
Genome position (GRCh38, 1-based): chr11:6,627,439, T>A on the plus strand (A>T on the coding strand, the complement: DCHS1 is on the minus strand). VCF-style: chr11-6627439-T-A. GRCh37 (hg19) VCF-style: chr11-6648670-T-A.
Other names: short protein forms D1867V.
Identifiers: ClinVar variation 2871762 (VCV002871762.3), dbSNP rs1855828026, ClinGen allele CA379393959.